The following is an entry in ClinVar:

ClinVar aggregate classification (germline): Uncertain significance (1 of 4 stars; one submission).

Submission:

GeneDx
Classification: Uncertain significance. Last evaluated: 2025-06-18. Review status: criteria provided, single submitter. Criteria: GeneDx Variant Classification Process June 2021. Collection method: clinical testing. Allele origin: germline. Affected: yes.
Comment: Reported in the heterozygous state in a patient with dilated cardiomyopathy in the published literature; this patient harbored variants in additional genes, and detailed clinical information was not provided (PMID: 32746448); Frameshift variant predicted to result in protein truncation or nonsense mediated decay in a gene for which loss of function is a known mechanism of disease; This variant is associated with the following publications: (PMID: 32746448)

NM_001002755.4(NFU1):c.452del (p.Leu151fs)

Gene: NFU1 (NFU1 iron-sulfur cluster scaffold; minus strand). Cytogenetic location: 2p13.3.
Variant type: Deletion.
Coding change: c.452del on transcript NM_001002755.4 (MANE Select); coding-DNA position 452, one base deleted (T; older notation c.452delT).
Protein change: p.Leu151fs; shifts the reading frame from leucine 151.
Molecular consequence: frameshift variant. On other transcripts: non-coding transcript variant (2).
Genome position (GRCh38, 1-based): chr2:69,415,217, A deleted on the plus strand (T on the coding strand, the reverse complement: NFU1 is on the minus strand). VCF-style (leftmost placement, unchanged base first): chr2-69415216-CA-C. GRCh37 (hg19) VCF-style: chr2-69642348-CA-C.
Other names: c.29del, p.Leu10fs (NM_001002756.2); c.380del, p.Leu127fs (NM_001374284.1, NM_015700.4); short protein forms L10fs, L127fs, L151fs.
Identifiers: ClinVar variation 4539968 (VCV004539968.1).
Genomic context (GRCh38, chr2:69,415,216, plus strand): 5'-AATTTTAATTACTCAATACAACATGTTACCTGCTTCTCCTGAAGGTGTTTCCTCAGTAAC[CA>C]GGGGTAAGCCAGATGCAAAGAAGTCCATGATTGTTGCATAAATATCTGGTTTCAGTAAAT-3'